The following is an entry in ClinVar:

NM_017780.4(CHD7):c.1782del (p.Gln595fs)

Genes: CHD7 (chromodomain helicase DNA binding protein 7; plus strand), LOC126860403 (CDK7 strongly-dependent group 2 enhancer GRCh37_chr8:61693034-61694233; plus strand). Cytogenetic location: 8q12.2.
Variant type: Deletion.
Coding change: c.1782del on transcript NM_017780.4 (MANE Select); coding-DNA position 1782, one base deleted (A; older notation c.1782delA).
Protein change: p.Gln595fs; shifts the reading frame from glutamine 595.
Molecular consequence: frameshift variant. On other transcripts: intron variant (1).
Genome position (GRCh38, 1-based): chr8:60,781,116, A deleted. VCF-style (leftmost placement, unchanged base first): chr8-60781115-CA-C. GRCh37 (hg19) VCF-style: chr8-61693674-CA-C.
Other names: c.1716+66del (NM_001316690.1); short protein forms Q595fs.
Identifiers: ClinVar variation 4813786 (VCV004813786.1).

ClinVar aggregate classification (germline): Likely pathogenic (1 of 4 stars; one submission).

Conditions:
CHD7-related CHARGE syndrome. Identifiers: MedGen CN380413, MONDO:1010178, OMIM 214800.

Submission:

Variantyx, Inc.
Classification: Likely pathogenic for CHD7-related CHARGE syndrome. Last evaluated: 2025-06-23. Review status: criteria provided, single submitter. Criteria: Variantyx Assertion Criteria 2022. Collection method: clinical testing. Allele origin: germline. Inheritance: Autosomal recessive inheritance. Affected: yes.
Comment: This is a frameshift variant in the CHD7 gene (OMIM: 608892). Pathogenic variants in this gene have been associated with autosomal dominant CHARGE syndrome. This variant introduces a premature termination codon in exon 3 out of 38 and is expected to result in loss of function, which is a known disease mechanism for CHD7 in this disorder (PMID: 21158681, 16400610, 19248844) (PVS1). This variant is absent from control populations (PM2) and has not been reported in individuals with CHD7-related disorders in the databases available for review. Based on the current evidence, this variant is classified as likely pathogenic for autosomal dominant CHARGE syndrome.

Literature cited by the submitters: PubMed 21158681; PubMed 16400610; PubMed 19248844.